The following is an entry in ClinVar:

NM_001168465.2(MAP7D2):c.1267G>A (p.Glu423Lys)

Gene: MAP7D2 (MAP7 domain containing 2; minus strand). Cytogenetic location: Xp22.12.
Variant type: single nucleotide variant.
Coding change: c.1267G>A on transcript NM_001168465.2 (MANE Select); coding-DNA position 1267, G replaced by A.
Protein change: p.Glu423Lys; replaces glutamic acid 423 with lysine.
Molecular consequence: missense variant.
Genome position (GRCh38, 1-based): chrX:20,025,693, C>T on the plus strand (G>A on the coding strand, the complement: MAP7D2 is on the minus strand). VCF-style: chrX-20025693-C-T. GRCh37 (hg19) VCF-style: chrX-20043811-C-T.
Other names: c.1009G>A, p.Glu337Lys (NM_001168466.2); c.988G>A, p.Glu330Lys (NM_001168467.2); c.1144G>A, p.Glu382Lys (NM_152780.4); short protein forms E330K, E337K, E382K, E423K.
Identifiers: ClinVar variation 2660137 (VCV002660137.24), dbSNP rs773448350, ClinGen allele CA10365561.

ClinVar aggregate classification (germline): Likely benign (1 of 4 stars; one submission).

Allele frequency attached by ClinVar (database versions not stated): ExAC 0.00003; gnomAD exomes 0.00004; gnomAD 0.00005; TOPMed 0.00009.
gnomAD v4.1: 46 of 1,210,223 alleles (0.0038%); highest among the groups gnomAD compares: African/African-American, 0.012%; no homozygotes.

Submission:

CeGaT Center for Human Genetics Tuebingen
Classification: Likely benign. Last evaluated: 2023-02-01. Review status: criteria provided, single submitter. Criteria: CeGaT Center For Human Genetics Tuebingen Variant Classification Criteria Version 2. Collection method: clinical testing. Allele origin: germline. Affected: yes. Observed: 1 variant allele.
Comment: MAP7D2: BP4, BS2